The following is an entry in ClinVar:

NM_000238.4(KCNH2):c.422dup (p.Ala142fs)

Gene: KCNH2 (potassium voltage-gated channel subfamily H member 2; minus strand). Cytogenetic location: 7q36.1.
Variant type: Duplication.
Coding change: c.422dup on transcript NM_000238.4 (MANE Select); coding-DNA position 422, one base duplicated (C; older notation c.422dupC).
Protein change: p.Ala142fs; shifts the reading frame from alanine 142.
Molecular consequence: frameshift variant.
Genome position (GRCh38, 1-based): chr7:150,959,622, G duplicated on the plus strand (C on the coding strand, the reverse complement: KCNH2 is on the minus strand); the first of 4 consecutive G bases (chr7:150,959,622-150,959,625); duplicating any one gives the same sequence. VCF-style (leftmost placement, unchanged base first): chr7-150959621-C-CG. GRCh37 (hg19) VCF-style: chr7-150656709-C-CG.
Other names: c.131dup, p.Ala46Glyfs (NM_001406753.1, NM_001406756.1); c.242dup, p.Ala83Glyfs (NM_001406755.1); c.119dup, p.Ala42Glyfs (NM_001406757.1); c.419dup, p.Ala142Glyfs (NM_172056.3); c.422dupC (NM_000238.3); short protein forms A142fs.
Identifiers: ClinVar variation 1458716 (VCV001458716.10), dbSNP rs2117011733, ClinGen allele CA658761343.

ClinVar aggregate classification (germline): Pathogenic. Review status: criteria provided, multiple submitters, no conflicts (2 of 4 stars). 2 submissions from 2 submitters: Pathogenic (2). Last evaluated 2023-11-16.

Conditions:
Cardiovascular phenotype. Identifiers: MedGen CN230736.
Long QT syndrome (LQTS). Identifiers: MedGen C0023976, MeSH D008133, MONDO:0002442. Disease mechanism: loss of function. Inheritance: Various modes of inheritance.

Submissions (2):

Ambry Genetics
Classification: Pathogenic for Cardiovascular phenotype. Last evaluated: 2023-11-16. Review status: criteria provided, single submitter. Criteria: Ambry Variant Classification Scheme 2023. Collection method: clinical testing. Allele origin: germline.
Comment: The c.422dupC pathogenic mutation, located in coding exon 3 of the KCNH2 gene, results from a duplication of C at nucleotide position 422, causing a translational frameshift with a predicted alternate stop codon (p.A142Gfs*3). This frameshift variant has been previously reported in a long QT syndrome cohort (Splawski I et al. Circulation, 2000 Sep;102:1178-85). This variant is considered to be rare based on population cohorts in the Genome Aggregation Database (gnomAD). In addition to the clinical data presented in the literature, this alteration is expected to result in loss of function by premature protein truncation or nonsense-mediated mRNA decay. As such, this alteration is interpreted as a disease-causing mutation.

Labcorp Genetics (formerly Invitae), Labcorp
Classification: Pathogenic for Long QT syndrome. Last evaluated: 2021-11-06. Review status: criteria provided, single submitter. Criteria: Invitae Variant Classification Sherloc (09022015). Collection method: clinical testing. Allele origin: germline.
Comment: This sequence change creates a premature translational stop signal (p.Ala142Glyfs*3) in the KCNH2 gene. It is expected to result in an absent or disrupted protein product. Loss-of-function variants in KCNH2 are known to be pathogenic (PMID: 10973849, 19862833). This variant is not present in population databases (gnomAD no frequency). This premature translational stop signal has been observed in individual(s) with long QT syndrome (PMID: 10973849). This variant is also known as insC422–423, P141fs/2. For these reasons, this variant has been classified as Pathogenic.

Literature cited by the submitters: PubMed 10973849 (cited by Ambry Genetics and Labcorp Genetics (formerly Invitae), Labcorp); PubMed 19862833 (cited by Labcorp Genetics (formerly Invitae), Labcorp).